The following is an entry in ClinVar:

NM_198859.4(PRICKLE2):c.1161C>A (p.Ser387Arg)

Gene: PRICKLE2 (prickle planar cell polarity protein 2; minus strand). Cytogenetic location: 3p14.1.
Variant type: single nucleotide variant.
Coding change: c.1161C>A on transcript NM_198859.4 (MANE Select); coding-DNA position 1161, C replaced by A.
Protein change: p.Ser387Arg; replaces serine 387 with arginine.
Molecular consequence: missense variant.
Genome position (GRCh38, 1-based): chr3:64,147,329, G>T on the plus strand (C>A on the coding strand, the complement: PRICKLE2 is on the minus strand). VCF-style: chr3-64147329-G-T. GRCh37 (hg19) VCF-style: chr3-64133005-G-T.
Other names: c.1161C>A, p.Ser387Arg (NM_001370528.1); short protein forms S387R.
Identifiers: ClinVar variation 4810159 (VCV004810159.1).

ClinVar aggregate classification (germline): Uncertain significance (1 of 4 stars; one submission).

Conditions:
Progressive myoclonic epilepsy type 5. Identifiers: Orphanet 402082, MedGen C5190799.

Submission:

Labcorp Genetics (formerly Invitae), Labcorp
Classification: Uncertain significance for Progressive myoclonic epilepsy type 5. Last evaluated: 2025-05-21. Review status: criteria provided, single submitter. Criteria: Invitae Variant Classification Sherloc (09022015). Collection method: clinical testing. Allele origin: germline.
Comment: This sequence change replaces serine, which is neutral and polar, with arginine, which is basic and polar, at codon 387 of the PRICKLE2 protein (p.Ser387Arg). This variant is not present in population databases (gnomAD no frequency). This variant has not been reported in the literature in individuals affected with PRICKLE2-related conditions. Invitae Evidence Modeling of protein sequence and biophysical properties (such as structural, functional, and spatial information, amino acid conservation, physicochemical variation, residue mobility, and thermodynamic stability) indicates that this missense variant is not expected to disrupt PRICKLE2 protein function with a negative predictive value of 80%. In summary, the available evidence is currently insufficient to determine the role of this variant in disease. Therefore, it has been classified as a Variant of Uncertain Significance.